The following is an entry in ClinVar:

NM_000026.4(ADSL):c.1011-2A>G

Gene: ADSL (adenylosuccinate lyase; plus strand). Cytogenetic location: 22q13.1.
Variant type: single nucleotide variant.
Coding change: c.1011-2A>G on transcript NM_000026.4 (MANE Select); the canonical splice acceptor site of the intron before coding-DNA position 1011, A replaced by G.
Molecular consequence: splice acceptor variant.
Genome position (GRCh38, 1-based): chr22:40,362,979, A>G. VCF-style: chr22-40362979-A-G. GRCh37 (hg19) VCF-style: chr22-40758983-A-G.
Other names: c.819-2A>G (NM_001317923.2); c.1011-2A>G (NM_001363840.3, NM_001410812.1, NM_001123378.3 and 1 more transcripts); c.966-2A>G (NM_001410814.1).
Identifiers: ClinVar variation 5006496 (VCV005006496.2).

ClinVar aggregate classification (germline): Likely pathogenic (1 of 4 stars; one submission).

Conditions:
Adenylosuccinate lyase deficiency (ADSLD). Also called: ADSL DEFICIENCY. Identifiers: Orphanet 46, MedGen C0268126, MONDO:0007068, OMIM 103050.

gnomAD v4.1: 10 of 1,612,778 alleles (0.00062%); highest among the groups gnomAD compares: Non-Finnish European, 0.00085%; no homozygotes.

Submission:

Juno Genomics, Hangzhou Juno Genomics, Inc
Classification: Likely pathogenic for Adenylosuccinate lyase deficiency. Review status: criteria provided, single submitter. Criteria: ACMG Guidelines, 2015. Collection method: clinical testing. Allele origin: germline.
Comment: Null variant in a gene where loss of function (LOF) is a known mechanism of disease.;Absent from controls (or at extremely low frequency if recessive) in Genome Aggregation Database.